The following is an entry in ClinVar:

ClinVar aggregate classification (germline): Uncertain significance (1 of 4 stars; one submission).

Conditions:
Mitochondrial complex I deficiency, nuclear type 15. Also called: Mitochondrial complex 1 deficiency, nuclear type 15. Identifiers: MedGen C4748778, MONDO:0032620, OMIM 618237.

gnomAD v4.1: 5 of 1,613,900 alleles (0.00031%); highest among the groups gnomAD compares: Non-Finnish European, 0.00034%; no homozygotes.

Submission:

Juno Genomics, Hangzhou Juno Genomics, Inc
Classification: Uncertain significance for Mitochondrial complex I deficiency, nuclear type 15. Review status: criteria provided, single submitter. Criteria: ACMG Guidelines, 2015. Collection method: clinical testing. Allele origin: germline.
Comment: Absent from controls (or at extremely low frequency if recessive) in Genome Aggregation Database.;Multiple lines of computational evidence support a deleterious effect on the gene or gene product.

NM_014165.4(NDUFAF4):c.377A>G (p.His126Arg)

Gene: NDUFAF4 (NADH:ubiquinone oxidoreductase complex assembly factor 4; minus strand). Cytogenetic location: 6q16.1.
Variant type: single nucleotide variant.
Coding change: c.377A>G on transcript NM_014165.4 (MANE Select); coding-DNA position 377, A replaced by G.
Protein change: p.His126Arg; replaces histidine 126 with arginine.
Molecular consequence: missense variant.
Genome position (GRCh38, 1-based): chr6:96,891,255, T>C on the plus strand (A>G on the coding strand, the complement: NDUFAF4 is on the minus strand). VCF-style: chr6-96891255-T-C. GRCh37 (hg19) VCF-style: chr6-97339131-T-C.
Other names: short protein forms H126R.
Identifiers: ClinVar variation 5007106 (VCV005007106.2).